The following is an entry in ClinVar:

NM_004260.4(RECQL4):c.3393+16C>T

Gene: RECQL4 (RecQ like helicase 4; minus strand). Cytogenetic location: 8q24.3.
Variant type: single nucleotide variant.
Coding change: c.3393+16C>T on transcript NM_004260.4 (MANE Select); 16 bases into the intron after coding-DNA position 3393, C replaced by T.
Molecular consequence: intron variant.
Genome position (GRCh38, 1-based): chr8:144,511,895, G>A on the plus strand (C>T on the coding strand, the complement: RECQL4 is on the minus strand). VCF-style: chr8-144511895-G-A. GRCh37 (hg19) VCF-style: chr8-145737278-G-A.
Other names: c.3264+16C>T (NM_001413025.1); c.3042+16C>T (NM_001413029.1); c.2256+16C>T (NM_001413032.1, NM_001413027.1, NM_001413030.1); c.2322+16C>T (NM_001413035.1, NM_001413040.1, NM_001413021.1 and 4 more transcripts); c.3099+16C>T (NM_001413017.1); c.3297+16C>T (NM_001413020.1); c.3363+16C>T (NM_001413039.1); c.3261+16C>T (NM_001413033.1); and 9 more.
Identifiers: ClinVar variation 2912042 (VCV002912042.3), dbSNP rs2537969708, ClinGen allele CA2689128978.
Genomic context (GRCh38, chr8:144,511,895, plus strand): 5'-TGCATCCACAGAGCAAGCCCCATGCAGCCCAGGGAACCTGCAACCCCGATGAGCTGCCTG[G>A]CCTTACTGCACTCACTCTGGCCTGCCCTGGCTCGGGGCCCTGTGCGTCCTCCATGCCTCC-3'

ClinVar aggregate classification (germline): Uncertain significance (1 of 4 stars; one submission).

Conditions:
Baller-Gerold syndrome (BGS). Also called: CRANIOSYNOSTOSIS WITH RADIAL DEFECTS. Identifiers: Orphanet 1225, MedGen C0265308, MONDO:0009039, OMIM 218600.

Allele frequency attached by ClinVar (database versions not stated): gnomAD exomes below 0.00001.
gnomAD v4.1: 2 of 1,610,186 alleles (0.00012%); highest among the groups gnomAD compares: African/African-American, 0.0013%; no homozygotes.

Submission:

Labcorp Genetics (formerly Invitae), Labcorp
Classification: Uncertain significance for Baller-Gerold syndrome. Last evaluated: 2023-02-27. Review status: criteria provided, single submitter. Criteria: Invitae Variant Classification Sherloc (09022015). Collection method: clinical testing. Allele origin: germline.
Comment: Algorithms developed to predict the effect of sequence changes on RNA splicing suggest that this variant may disrupt the consensus splice site. In summary, the available evidence is currently insufficient to determine the role of this variant in disease. Therefore, it has been classified as a Variant of Uncertain Significance. This variant has not been reported in the literature in individuals affected with RECQL4-related conditions. This variant is not present in population databases (gnomAD no frequency). This sequence change falls in intron 19 of the RECQL4 gene. It does not directly change the encoded amino acid sequence of the RECQL4 protein.